The following is an entry in ClinVar:

NM_004360.5(CDH1):c.1479G>A (p.Val493=)

Gene: CDH1 (cadherin 1; plus strand). Cytogenetic location: 16q22.1.
Variant type: single nucleotide variant.
Coding change: c.1479G>A on transcript NM_004360.5 (MANE Select); coding-DNA position 1479, G replaced by A.
Protein change: p.Val493=; no amino-acid change (valine 493 retained).
Molecular consequence: synonymous variant. On other transcripts: 5 prime UTR variant (2).
Genome position (GRCh38, 1-based): chr16:68,815,673, G>A. VCF-style: chr16-68815673-G-A. GRCh37 (hg19) VCF-style: chr16-68849576-G-A.
Other names: c.1479G>A (LRG_301t1); c.1296G>A, p.Val432= (NM_001317184.2); c.-70G>A (NM_001317185.2); c.-341G>A (NM_001317186.2).
Identifiers: ClinVar variation 239881 (VCV000239881.12), dbSNP rs755157715, ClinGen allele CA8130081.

ClinVar aggregate classification (germline): Benign/Likely benign. Review status: criteria provided, multiple submitters, no conflicts (2 of 4 stars). 3 submissions from 3 submitters: Benign (1); Likely benign (2). Last evaluated 2024-09-19.

Conditions:
Hereditary cancer-predisposing syndrome. Also called: Neoplastic Syndromes, Hereditary; Tumor predisposition; Hereditary neoplastic syndrome; Hereditary Cancer Syndrome. Identifiers: Orphanet 140162, MedGen C0027672, MeSH D009386, MONDO:0015356.
Hereditary diffuse gastric adenocarcinoma (HDGC). Also called: DIFFUSE GASTRIC AND LOBULAR BREAST CANCER SYNDROME. Identifiers: Orphanet 26106, MedGen C1708349, MONDO:0007648, OMIM 137215.

Allele frequency attached by ClinVar (database versions not stated): gnomAD exomes below 0.00001; ExAC 0.00001.
gnomAD v4.1: 5 of 1,614,242 alleles (0.00031%); highest among the groups gnomAD compares: East Asian, 0.0022%; no homozygotes.

Submissions (3):

Myriad Genetics, Inc.
Classification: Benign for Hereditary diffuse gastric adenocarcinoma. Last evaluated: 2024-09-19. Review status: criteria provided, single submitter. Criteria: Myriad Autosomal Dominant, Autosomal Recessive and X-Linked Classification Criteria (2023). Collection method: clinical testing. Allele origin: unknown.
Comment: This variant is considered benign. This variant is a silent/synonymous amino acid change and it is not expected to impact splicing.

Labcorp Genetics (formerly Invitae), Labcorp
Classification: Likely benign for Hereditary diffuse gastric adenocarcinoma. Last evaluated: 2022-01-06. Review status: criteria provided, single submitter. Criteria: Invitae Variant Classification Sherloc (09022015). Collection method: clinical testing. Allele origin: germline.

Ambry Genetics
Classification: Likely benign for Hereditary cancer-predisposing syndrome. Last evaluated: 2021-01-29. Review status: criteria provided, single submitter. Criteria: Ambry Variant Classification Scheme 2023. Collection method: clinical testing. Allele origin: germline.